The following is an entry in ClinVar:

ClinVar aggregate classification (germline): Uncertain significance. Review status: criteria provided, multiple submitters, no conflicts (2 of 4 stars). 2 submissions from 2 submitters: Uncertain significance (2). Last evaluated 2023-10-13.

Conditions:
Dyskeratosis congenita, autosomal dominant 2. Identifiers: MedGen C3151443, MONDO:0013521, OMIM 613989.
Idiopathic Pulmonary Fibrosis. Also called: Idiopathic fibrosing alveolitis, chronic form; idiopathic fibrosing alveolitis. Identifiers: Orphanet 2032, MedGen C1800706, MeSH D054990, MONDO:0800504.
Dyskeratosis congenita. Identifiers: Orphanet 1775, MedGen C0265965, MONDO:0015780.

Allele frequency attached by ClinVar (database versions not stated): TOPMed below 0.00001; gnomAD 0.00001.
gnomAD v4.1: 1 of 1,586,282 alleles (0.000063%); highest among the groups gnomAD compares: Admixed American, 0.0017%; no homozygotes.

Submissions (2):

Labcorp Genetics (formerly Invitae), Labcorp
Classification: Uncertain significance for Dyskeratosis congenita, autosomal dominant 2; Idiopathic Pulmonary Fibrosis. Last evaluated: 2023-10-13. Review status: criteria provided, single submitter. Criteria: Invitae Variant Classification Sherloc (09022015). Collection method: clinical testing. Allele origin: germline.
Comment: This sequence change replaces glycine, which is neutral and non-polar, with arginine, which is basic and polar, at codon 106 of the TERT protein (p.Gly106Arg). This variant is not present in population databases (gnomAD no frequency). This variant has not been reported in the literature in individuals affected with TERT-related conditions. ClinVar contains an entry for this variant (Variation ID: 841089). Advanced modeling of protein sequence and biophysical properties (such as structural, functional, and spatial information, amino acid conservation, physicochemical variation, residue mobility, and thermodynamic stability) performed at Invitae indicates that this missense variant is expected to disrupt TERT protein function. In summary, the available evidence is currently insufficient to determine the role of this variant in disease. Therefore, it has been classified as a Variant of Uncertain Significance.

Ambry Genetics
Classification: Uncertain significance for Dyskeratosis congenita. Last evaluated: 2023-04-14. Review status: criteria provided, single submitter. Criteria: Ambry Variant Classification Scheme 2023. Collection method: clinical testing. Allele origin: germline.
Comment: The p.G106R variant (also known as c.316G>C), located in coding exon 2 of the TERT gene, results from a G to C substitution at nucleotide position 316. The glycine at codon 106 is replaced by arginine, an amino acid with dissimilar properties. This amino acid position is conserved. In addition, the in silico prediction for this alteration is inconclusive. Since supporting evidence is limited at this time, the clinical significance of this alteration remains unclear.

NM_198253.3(TERT):c.316G>C (p.Gly106Arg)

Gene: TERT (telomerase reverse transcriptase; minus strand). Cytogenetic location: 5p15.33.
Variant type: single nucleotide variant.
Coding change: c.316G>C on transcript NM_198253.3 (MANE Select); coding-DNA position 316, G replaced by C.
Protein change: p.Gly106Arg; replaces glycine 106 with arginine.
Molecular consequence: missense variant. On other transcripts: non-coding transcript variant (2).
Genome position (GRCh38, 1-based): chr5:1,294,570, C>G on the plus strand (G>C on the coding strand, the complement: TERT is on the minus strand). VCF-style: chr5-1294570-C-G. GRCh37 (hg19) VCF-style: chr5-1294685-C-G.
Other names: c.316G>C, p.Gly106Arg (NM_001193376.3); short protein forms G106R.
Identifiers: ClinVar variation 841089 (VCV000841089.11), dbSNP rs1751265277, ClinGen allele CA359058344.